The following is an entry in ClinVar:

ClinVar aggregate classification (germline): Uncertain significance (1 of 4 stars; one submission).

Allele frequency attached by ClinVar (database versions not stated): gnomAD exomes below 0.00001; TOPMed below 0.00001; gnomAD 0.00001; ExAC 0.00002.
gnomAD v4.1: 5 of 1,614,066 alleles (0.00031%); highest among the groups gnomAD compares: Admixed American, 0.005%; no homozygotes.

Submission:

Labcorp Genetics (formerly Invitae), Labcorp
Classification: Uncertain significance. Last evaluated: 2022-04-07. Review status: criteria provided, single submitter. Criteria: Invitae Variant Classification Sherloc (09022015). Collection method: clinical testing. Allele origin: germline.
Comment: This sequence change replaces asparagine, which is neutral and polar, with serine, which is neutral and polar, at codon 199 of the EXOSC2 protein (p.Asn199Ser). This variant is present in population databases (rs779954577, gnomAD 0.006%). This variant has not been reported in the literature in individuals affected with EXOSC2-related conditions. Algorithms developed to predict the effect of missense changes on protein structure and function output the following: SIFT: "Tolerated"; PolyPhen-2: "Benign"; Align-GVGD: "Class C0". The serine amino acid residue is found in multiple mammalian species, which suggests that this missense change does not adversely affect protein function. In summary, the available evidence is currently insufficient to determine the role of this variant in disease. Therefore, it has been classified as a Variant of Uncertain Significance.

NM_014285.7(EXOSC2):c.596A>G (p.Asn199Ser)

Gene: EXOSC2 (exosome component 2; plus strand). Cytogenetic location: 9q34.12.
Variant type: single nucleotide variant.
Coding change: c.596A>G on transcript NM_014285.7 (MANE Select); coding-DNA position 596, A replaced by G.
Protein change: p.Asn199Ser; replaces asparagine 199 with serine.
Molecular consequence: missense variant. On other transcripts: non-coding transcript variant (1).
Genome position (GRCh38, 1-based): chr9:130,702,234, A>G. VCF-style: chr9-130702234-A-G. GRCh37 (hg19) VCF-style: chr9-133577621-A-G.
Other names: c.518A>G, p.Asn173Ser (NM_001282708.1); c.506A>G, p.Asn169Ser (NM_001282709.1); short protein forms N169S, N173S, N199S.
Identifiers: ClinVar variation 2062073 (VCV002062073.1), dbSNP rs779954577, ClinGen allele CA5284921.